The following is an entry in ClinVar:

ClinVar aggregate classification (germline): Likely pathogenic (1 of 4 stars; one submission).

Conditions:
CHARGE syndrome (CHARGE). Also called: Coloboma, heart anomaly, choanal atresia, retardation, genital and ear anomalies; CHARGE association; Hall-Hittner syndrome; Hittner Hirsch Kreh syndrome; CHARGE ASSOCIATION--COLOBOMA, HEART ANOMALY, CHOANAL ATRESIA, RETARDATION, GENITAL AND EAR ANOMALIES. Identifiers: Orphanet 138, MedGen C0265354, MONDO:0008965.

Submission:

Labcorp Genetics (formerly Invitae), Labcorp
Classification: Likely pathogenic for CHARGE syndrome. Last evaluated: 2021-11-11. Review status: criteria provided, single submitter. Criteria: Invitae Variant Classification Sherloc (09022015). Collection method: clinical testing. Allele origin: germline.
Comment: In summary, the currently available evidence indicates that the variant is pathogenic, but additional data are needed to prove that conclusively. Therefore, this variant has been classified as Likely Pathogenic. Algorithms developed to predict the effect of sequence changes on RNA splicing suggest that this variant may disrupt the consensus splice site. This variant has not been reported in the literature in individuals affected with CHD7-related conditions. This variant is not present in population databases (gnomAD no frequency). This sequence change affects an acceptor splice site in intron 14 of the CHD7 gene. It is expected to disrupt RNA splicing. Variants that disrupt the donor or acceptor splice site typically lead to a loss of protein function (PMID: 16199547), and loss-of-function variants in CHD7 are known to be pathogenic (PMID: 22461308, 25077900).

Literature cited by the submitters: PubMed 16199547; PubMed 22461308; PubMed 25077900.

NM_017780.4(CHD7):c.3523-2A>C

Gene: CHD7 (chromodomain helicase DNA binding protein 7; plus strand). Cytogenetic location: 8q12.2.
Variant type: single nucleotide variant.
Coding change: c.3523-2A>C on transcript NM_017780.4 (MANE Select); the canonical splice acceptor site of the intron before coding-DNA position 3523, A replaced by C.
Molecular consequence: splice acceptor variant. On other transcripts: intron variant (1).
Genome position (GRCh38, 1-based): chr8:60,830,320, A>C. VCF-style: chr8-60830320-A-C. GRCh37 (hg19) VCF-style: chr8-61742879-A-C.
Other names: c.1717-31909A>C (NM_001316690.1).
Identifiers: ClinVar variation 1519398 (VCV001519398.6), dbSNP rs2150764574, ClinGen allele CA371314812.